The following is an entry in ClinVar:

ClinVar aggregate classification (germline): Uncertain significance (0 of 4 stars; one submission).

Conditions:
IFT172-related disorder. Also called: IFT172-related condition; IFT172-related disorders.

gnomAD v4.1: 2 of 1,614,066 alleles (0.00012%); highest among the groups gnomAD compares: Non-Finnish European, 0.00017%; no homozygotes.

Submission:

PreventionGenetics, part of Exact Sciences
Classification: Uncertain significance for IFT172-related condition. Last evaluated: 2024-04-10. Review status: no assertion criteria provided. Collection method: clinical testing. Allele origin: germline.
Comment: The IFT172 c.3007G>A variant is predicted to result in the amino acid substitution p.Ala1003Thr. To our knowledge, this variant has not been reported in the literature or in a large population database, indicating this variant is rare. At this time, the clinical significance of this variant is uncertain due to the absence of conclusive functional and genetic evidence.

NM_015662.3(IFT172):c.3007G>A (p.Ala1003Thr)

Gene: IFT172 (intraflagellar transport 172; minus strand). Cytogenetic location: 2p23.3.
Variant type: single nucleotide variant.
Coding change: c.3007G>A on transcript NM_015662.3 (MANE Select); coding-DNA position 3007, G replaced by A.
Protein change: p.Ala1003Thr; replaces alanine 1003 with threonine.
Molecular consequence: missense variant.
Genome position (GRCh38, 1-based): chr2:27,457,945, C>T on the plus strand (G>A on the coding strand, the complement: IFT172 is on the minus strand). VCF-style: chr2-27457945-C-T. GRCh37 (hg19) VCF-style: chr2-27680812-C-T.
Other names: c.2941G>A, p.Ala981Thr (NM_001410739.1); short protein forms A1003T, A981T.
Identifiers: ClinVar variation 3345397 (VCV003345397.1).
Genomic context (GRCh38, chr2:27,457,945, plus strand): 5'-GCTTCCCTACCAGGCGGATCATGTCATCATACAACTTGTGCTTTTTGTACATGGTGATGG[C>T]AAGATCAGGCTCTTGTACTGTCACATATAGCCTGGGGAAGGAGATACATCTGGGGCCTCC-3'
Protein context (NP_056477.1, residues 993-1013): LYVTVQEPDL[Ala1003Thr]ITMYKKHKLY